The following is an entry in ClinVar:

ClinVar aggregate classification (germline): Uncertain significance. Review status: criteria provided, multiple submitters, no conflicts (2 of 4 stars). 2 submissions from 2 submitters: Uncertain significance (2). Last evaluated 2026-01-04.

Conditions:
Hereditary nonpolyposis colorectal neoplasms. Identifiers: MedGen C0009405, MeSH D003123.
Hereditary cancer-predisposing syndrome. Also called: Hereditary Cancer Syndrome; Tumor predisposition; Hereditary neoplastic syndrome; Neoplastic Syndromes, Hereditary. Identifiers: Orphanet 140162, MedGen C0027672, MeSH D009386, MONDO:0015356.

Submissions (2):

Labcorp Genetics (formerly Invitae), Labcorp
Classification: Uncertain significance for Hereditary nonpolyposis colorectal neoplasms. Last evaluated: 2026-01-04. Review status: criteria provided, single submitter. Criteria: Invitae Variant Classification Sherloc (09022015). Collection method: clinical testing. Allele origin: germline.
Comment: This sequence change replaces methionine, which is neutral and non-polar, with valine, which is neutral and non-polar, at codon 1184 of the MSH6 protein (p.Met1184Val). This variant is not present in population databases (gnomAD no frequency). This variant has not been reported in the literature in individuals affected with MSH6-related conditions. ClinVar contains an entry for this variant (Variation ID: 3398966). Invitae Evidence Modeling of protein sequence and biophysical properties (such as structural, functional, and spatial information, amino acid conservation, physicochemical variation, residue mobility, and thermodynamic stability) indicates that this missense variant is not expected to disrupt MSH6 protein function with a negative predictive value of 95%. In summary, the available evidence is currently insufficient to determine the role of this variant in disease. Therefore, it has been classified as a Variant of Uncertain Significance.

Ambry Genetics
Classification: Uncertain significance for Hereditary cancer-predisposing syndrome. Last evaluated: 2024-11-17. Review status: criteria provided, single submitter. Criteria: Ambry Variant Classification Scheme 2023. Collection method: clinical testing. Allele origin: germline.
Comment: The p.M1184V variant (also known as c.3550A>G), located in coding exon 6 of the MSH6 gene, results from an A to G substitution at nucleotide position 3550. The methionine at codon 1184 is replaced by valine, an amino acid with highly similar properties. This amino acid position is conserved. In addition, this alteration is predicted to be deleterious by in silico analysis. Based on the available evidence, the clinical significance of this variant remains unclear.

NM_000179.3(MSH6):c.3550A>G (p.Met1184Val)

Gene: MSH6 (mutS homolog 6; plus strand). Cytogenetic location: 2p16.3.
Variant type: single nucleotide variant.
Coding change: c.3550A>G on transcript NM_000179.3 (MANE Select); coding-DNA position 3550, A replaced by G.
Protein change: p.Met1184Val; replaces methionine 1184 with valine.
Molecular consequence: missense variant. On other transcripts: non-coding transcript variant (4).
Genome position (GRCh38, 1-based): chr2:47,805,021, A>G. VCF-style: chr2-47805021-A-G. GRCh37 (hg19) VCF-style: chr2-48032160-A-G.
Other names: c.3160A>G, p.Met1054Val (NM_001281492.2); c.2644A>G, p.Met882Val (NM_001281493.2, NM_001281494.2, NM_001406811.1 and 6 more transcripts); c.3646A>G, p.Met1216Val (NM_001406795.1, NM_001406802.1); c.3550A>G, p.Met1184Val (NM_001406796.1, NM_001406800.1, NM_001406808.1 and 1 more transcripts); c.3253A>G, p.Met1085Val (NM_001406797.1, NM_001406801.1, NM_001406805.1 and 10 more transcripts); c.3376A>G, p.Met1126Val (NM_001406798.1); c.3025A>G, p.Met1009Val (NM_001406799.1, NM_001406806.1, NM_001406807.1); c.2686A>G, p.Met896Val (NM_001406803.1); and 7 more; short protein forms M1085V, M1184V, M1216V, M896V, M1009V, M1054V, M111V, M1158V.
Identifiers: ClinVar variation 3398966 (VCV003398966.2).